The following is an entry in ClinVar:

NM_000320.3(QDPR):c.519C>T (p.Pro173=)

Gene: QDPR (quinoid dihydropteridine reductase; minus strand). Cytogenetic location: 4p15.32.
Variant type: single nucleotide variant.
Coding change: c.519C>T on transcript NM_000320.3 (MANE Select); coding-DNA position 519, C replaced by T.
Protein change: p.Pro173=; no amino-acid change (proline 173 retained).
Molecular consequence: synonymous variant.
Genome position (GRCh38, 1-based): chr4:17,492,258, G>A on the plus strand (C>T on the coding strand, the complement: QDPR is on the minus strand). VCF-style: chr4-17492258-G-A. GRCh37 (hg19) VCF-style: chr4-17493881-G-A.
Other names: c.426C>T, p.Pro142= (NM_001306140.2).
Identifiers: ClinVar variation 741759 (VCV000741759.9), dbSNP rs368614041, ClinGen allele CA2868082.

ClinVar aggregate classification (germline): Likely benign. Review status: criteria provided, multiple submitters, no conflicts (2 of 4 stars). 2 submissions from 2 submitters: Likely benign (2). Last evaluated 2026-08-04.

Conditions:
QDPR-related disorder. Also called: QDPR-related condition.
Dihydropteridine reductase deficiency (HPABH4C). Also called: DHPR DEFICIENCY; BH4-Deficient Hyperphenylalaninemia C; HYPERPHENYLALANINEMIA, TETRAHYDROBIOPTERIN-DEFICIENT, DUE TO DHPR DEFICIENCY; Phenylketonuria II; QDPR DEFICIENCY; QUINOID DIHYDROPTERIDINE REDUCTASE DEFICIENCY. Identifiers: Orphanet 226, Orphanet 238583, MedGen C0268465, MONDO:0009862, OMIM 261630.

Allele frequency attached by ClinVar (database versions not stated): ExAC 0.00003; gnomAD exomes 0.00003; gnomAD 0.00005 and 0.00006; TOPMed 0.00008; ESP Exome Variant Server 0.00015.
gnomAD v4.1: 132 of 1,613,890 alleles (0.0082%); highest among the groups gnomAD compares: Middle Eastern, 0.016%; no homozygotes.

Submissions (2):

PreventionGenetics, part of Exact Sciences
Classification: Likely benign for QDPR-related condition. Last evaluated: 2026-08-04. Review status: criteria provided, single submitter. Criteria: ACMG Guidelines, 2015. Collection method: clinical testing. Allele origin: germline.
Comment: This variant is classified as likely benign based on ACMG/AMP sequence variant interpretation guidelines (Richards et al. 2015 PMID: 25741868, with internal and published modifications).

Labcorp Genetics (formerly Invitae), Labcorp
Classification: Likely benign for Dihydropteridine reductase deficiency. Last evaluated: 2026-01-19. Review status: criteria provided, single submitter. Criteria: Invitae Variant Classification Sherloc (09022015). Collection method: clinical testing. Allele origin: germline.